The following is an entry in ClinVar:

NM_001378687.1(ATP2C1):c.1553del (p.Gly518fs)

Gene: ATP2C1 (ATPase secretory pathway Ca2+ transporting 1; plus strand). Cytogenetic location: 3q22.1.
Variant type: Deletion.
Coding change: c.1553del on transcript NM_001378687.1 (MANE Select); coding-DNA position 1553, one base deleted (G; older notation c.1553delG).
Protein change: p.Gly518fs; shifts the reading frame from glycine 518.
Molecular consequence: frameshift variant.
Genome position (GRCh38, 1-based): chr3:130,975,471, G deleted; the last of 3 consecutive G bases (chr3:130,975,469-130,975,471); deleting any one gives the same sequence. VCF-style (leftmost placement, unchanged base first): chr3-130975468-TG-T. GRCh37 (hg19) VCF-style: chr3-130694312-TG-T.
Other names: c.1553del, p.Gly518fs (NM_001001485.3, NM_001001486.2, NM_001001487.2 and 5 more transcripts); c.1655del, p.Gly552fs (NM_001199180.2, NM_001199181.3, NM_001378511.1); c.1538del, p.Gly513fs (NM_001199182.2); c.1505del, p.Gly502fs (NM_001199183.2, NM_001199184.3, NM_001378514.1); short protein forms G502fs, G513fs, G518fs, G552fs.
Identifiers: ClinVar variation 3657170 (VCV003657170.2).

ClinVar aggregate classification (germline): Pathogenic (1 of 4 stars; one submission).

Submission:

Labcorp Genetics (formerly Invitae), Labcorp
Classification: Pathogenic. Last evaluated: 2025-01-11. Review status: criteria provided, single submitter. Criteria: Invitae Variant Classification Sherloc (09022015). Collection method: clinical testing. Allele origin: germline.
Comment: This sequence change creates a premature translational stop signal (p.Gly518Alafs*19) in the ATP2C1 gene. It is expected to result in an absent or disrupted protein product. Loss-of-function variants in ATP2C1 are known to be pathogenic (PMID: 10615129, 10767338, 11841554). This variant is not present in population databases (gnomAD no frequency). This variant has not been reported in the literature in individuals affected with ATP2C1-related conditions. For these reasons, this variant has been classified as Pathogenic.

Literature cited by the submitters: PubMed 10615129; PubMed 10767338; PubMed 11841554.